The following is an entry in ClinVar:

NM_015378.4(VPS13D):c.1850C>T (p.Pro617Leu)

Gene: VPS13D (vacuolar protein sorting 13 homolog D; plus strand). Cytogenetic location: 1p36.22.
Variant type: single nucleotide variant.
Coding change: c.1850C>T on transcript NM_015378.4 (MANE Select); coding-DNA position 1850, C replaced by T.
Protein change: p.Pro617Leu; replaces proline 617 with leucine.
Molecular consequence: missense variant.
Genome position (GRCh38, 1-based): chr1:12,268,754, C>T. VCF-style: chr1-12268754-C-T. GRCh37 (hg19) VCF-style: chr1-12328811-C-T.
Other names: p.Pro617Leu; c.1850C>T, p.Pro617Leu (NM_018156.4); c.1850C>T (NM_015378.3); short protein forms P617L.
Identifiers: ClinVar variation 1508808 (VCV001508808.11), dbSNP rs146508788, ClinGen allele CA601662.

ClinVar aggregate classification (germline): Uncertain significance. Review status: criteria provided, multiple submitters, no conflicts (2 of 4 stars). 4 submissions from 4 submitters: Uncertain significance (3). 1 of the submissions does not count toward it. Last evaluated 2025-11-01.

Conditions:
VPS13D-related disorder. Also called: VPS13D-related condition.

Allele frequency attached by ClinVar (database versions not stated): ExAC 0.00007; gnomAD 0.00015 and 0.00017; gnomAD exomes 0.00015; 1000 Genomes Project 30x 0.00016; TOPMed 0.00016; 1000 Genomes Project 0.00020; ESP Exome Variant Server 0.00023.
gnomAD v4.1: 538 of 1,613,996 alleles (0.033%); highest among the groups gnomAD compares: Non-Finnish European, 0.043%; 1 homozygote.

Submissions (4):

CeGaT Center for Human Genetics Tuebingen
Classification: Uncertain significance. Last evaluated: 2025-11-01. Review status: criteria provided, single submitter. Criteria: CeGaT Center For Human Genetics Tuebingen Variant Classification Criteria Version 2. Collection method: clinical testing. Allele origin: germline. Affected: yes. Observed: 1 variant allele.

Mayo Clinic Laboratories, Mayo Clinic
Classification: Uncertain significance. Last evaluated: 2025-09-02. Review status: criteria provided, single submitter. Criteria: ACMG Guidelines, 2015. Collection method: clinical testing. Allele origin: germline. Observed: 3 variant alleles.

Labcorp Genetics (formerly Invitae), Labcorp
Classification: Uncertain significance. Last evaluated: 2022-05-12. Review status: criteria provided, single submitter. Criteria: Invitae Variant Classification Sherloc (09022015). Collection method: clinical testing. Allele origin: germline.
Comment: This sequence change replaces proline, which is neutral and non-polar, with leucine, which is neutral and non-polar, at codon 617 of the VPS13D protein (p.Pro617Leu). This variant is present in population databases (rs146508788, gnomAD 0.02%). This variant has not been reported in the literature in individuals affected with VPS13D-related conditions. Algorithms developed to predict the effect of missense changes on protein structure and function are either unavailable or do not agree on the potential impact of this missense change (SIFT: "Deleterious"; PolyPhen-2: "Possibly Damaging"; Align-GVGD: "Class C0"). In summary, the available evidence is currently insufficient to determine the role of this variant in disease. Therefore, it has been classified as a Variant of Uncertain Significance.

PreventionGenetics, part of Exact Sciences
Classification: Uncertain significance for VPS13D-related condition. Last evaluated: 2024-08-30. Review status: no assertion criteria provided. Collection method: clinical testing. Allele origin: germline. Not counted in ClinVar's aggregate classification.
Comment: The VPS13D c.1850C>T variant is predicted to result in the amino acid substitution p.Pro617Leu. This variant in the compound heterozygous condition along with a second variant in this gene has been reported in two siblings with autism spectrum disorder, who also carried two compound heterozygous variants in other two genes (Peter et al. 2019. PubMed ID: 30949922). This variant is reported in 0.027% of alleles in individuals of European (Non-Finnish) descent in gnomAD. At this time, the clinical significance of this variant is uncertain due to the absence of conclusive functional and genetic evidence.

Literature cited by the submitters: PubMed 30949922 (cited by Mayo Clinic Laboratories, Mayo Clinic).